The following is an entry in ClinVar:

NM_032520.5(GNPTG):c.571del (p.Gln190_Val191insTer)

Gene: GNPTG (N-acetylglucosamine-1-phosphate transferase subunit gamma; plus strand). Cytogenetic location: 16p13.3.
Variant type: Deletion.
Coding change: c.571del on transcript NM_032520.5 (MANE Select); coding-DNA position 571, one base deleted (G; older notation c.571delG).
Protein change: p.Gln190_Val191insTer.
Molecular consequence: nonsense.
Genome position (GRCh38, 1-based): chr16:1,362,496, G deleted; the last of 2 consecutive G bases (chr16:1,362,495-1,362,496); deleting either gives the same sequence. VCF-style (leftmost placement, unchanged base first): chr16-1362494-AG-A. GRCh37 (hg19) VCF-style: chr16-1412495-AG-A.
Identifiers: ClinVar variation 1425155 (VCV001425155.6), dbSNP rs2141863595, ClinGen allele CA2573151729.
Genomic context (GRCh38, chr16:1,362,494, plus strand): 5'-CTTCTCTTGGGTCCTCAGTGTACCCAACCCTGCCAGAGGCCCTGCAGCGGCAGTGGGACC[AG>A]GTAGAGCAGGACCTGGCCGATGAGCTGATCACCCCCCAGGTAAGCGTGCGCTCGGGGTGG-3'

ClinVar aggregate classification (germline): Pathogenic (1 of 4 stars; one submission).

Submission:

Labcorp Genetics (formerly Invitae), Labcorp
Classification: Pathogenic. Last evaluated: 2023-09-08. Review status: criteria provided, single submitter. Criteria: Invitae Variant Classification Sherloc (09022015). Collection method: clinical testing. Allele origin: germline.
Comment: This sequence change creates a premature translational stop signal (p.Val191*) in the GNPTG gene. It is expected to result in an absent or disrupted protein product. Loss-of-function variants in GNPTG are known to be pathogenic (PMID: 19370764, 20301784). This variant is not present in population databases (gnomAD no frequency). This variant has not been reported in the literature in individuals affected with GNPTG-related conditions. ClinVar contains an entry for this variant (Variation ID: 1425155). For these reasons, this variant has been classified as Pathogenic.

Literature cited by the submitters: PubMed 19370764; PubMed 20301784.